The following is an entry in ClinVar:

ClinVar aggregate classification (germline): Uncertain significance (1 of 4 stars; one submission).

Submission:

GeneDx
Classification: Uncertain significance. Last evaluated: 2024-05-05. Review status: criteria provided, single submitter. Criteria: GeneDx Variant Classification Process June 2021. Collection method: clinical testing. Allele origin: germline. Affected: yes.
Comment: Not observed at significant frequency in large population cohorts (gnomAD); In silico analysis indicates that this missense variant does not alter protein structure/function; Has not been previously published as pathogenic or benign to our knowledge

NM_001130438.3(SPTAN1):c.2267A>G (p.Lys756Arg)

Gene: SPTAN1 (spectrin alpha, non-erythrocytic 1; plus strand). Cytogenetic location: 9q34.11.
Variant type: single nucleotide variant.
Coding change: c.2267A>G on transcript NM_001130438.3 (MANE Select); coding-DNA position 2267, A replaced by G.
Protein change: p.Lys756Arg; replaces lysine 756 with arginine.
Molecular consequence: missense variant.
Genome position (GRCh38, 1-based): chr9:128,584,355, A>G. VCF-style: chr9-128584355-A-G. GRCh37 (hg19) VCF-style: chr9-131346634-A-G.
Other names: c.2267A>G, p.Lys756Arg (NM_001195532.2, NM_001363759.2, NM_001363765.2 and 5 more transcripts); c.2303A>G, p.Lys768Arg (NM_001375312.2, NM_001375318.1); short protein forms K756R, K768R.
Identifiers: ClinVar variation 3375883 (VCV003375883.1).